The following is an entry in ClinVar:

ClinVar aggregate classification (germline): Uncertain significance (1 of 4 stars; one submission).

Conditions:
Fucosidosis. Also called: ALPHA-L-FUCOSIDASE DEFICIENCY. Identifiers: Orphanet 349, MedGen C0016788, MONDO:0009254, OMIM 230000.

Allele frequency attached by ClinVar (database versions not stated): gnomAD exomes below 0.00001.
gnomAD v4.1: 1 of 1,570,558 alleles (0.000064%); highest among the groups gnomAD compares: Non-Finnish European, 0.000088%; no homozygotes.

Submission:

Labcorp Genetics (formerly Invitae), Labcorp
Classification: Uncertain significance for Fucosidosis. Last evaluated: 2022-07-06. Review status: criteria provided, single submitter. Criteria: Invitae Variant Classification Sherloc (09022015). Collection method: clinical testing. Allele origin: germline.
Comment: In summary, the available evidence is currently insufficient to determine the role of this variant in disease. Therefore, it has been classified as a Variant of Uncertain Significance. Variants that disrupt the consensus splice site are a relatively common cause of aberrant splicing (PMID: 17576681, 9536098). Algorithms developed to predict the effect of sequence changes on RNA splicing suggest that this variant is not likely to affect RNA splicing. This variant has not been reported in the literature in individuals affected with FUCA1-related conditions. This variant is not present in population databases (gnomAD no frequency). This sequence change falls in intron 3 of the FUCA1 gene. It does not directly change the encoded amino acid sequence of the FUCA1 protein. It affects a nucleotide within the consensus splice site.

Literature cited by the submitters: PubMed 17576681; PubMed 9536098.

NM_000147.5(FUCA1):c.663-3C>T

Gene: FUCA1 (alpha-L-fucosidase 1; minus strand). Cytogenetic location: 1p36.11.
Variant type: single nucleotide variant.
Coding change: c.663-3C>T on transcript NM_000147.5 (MANE Select); 3 bases into the intron before coding-DNA position 663, C replaced by T.
Molecular consequence: intron variant.
Genome position (GRCh38, 1-based): chr1:23,859,906, G>A on the plus strand (C>T on the coding strand, the complement: FUCA1 is on the minus strand). VCF-style: chr1-23859906-G-A. GRCh37 (hg19) VCF-style: chr1-24186396-G-A.
Identifiers: ClinVar variation 2012481 (VCV002012481.4), dbSNP rs1639471646, ClinGen allele CA1158988015.